The following is an entry in ClinVar:

NM_003119.4(SPG7):c.1873C>T (p.Arg625Trp)

Gene: SPG7 (SPG7 matrix AAA peptidase subunit, paraplegin; plus strand). Cytogenetic location: 16q24.3.
Variant type: single nucleotide variant.
Coding change: c.1873C>T on transcript NM_003119.4 (MANE Select); coding-DNA position 1873, C replaced by T.
Protein change: p.Arg625Trp; replaces arginine 625 with tryptophan.
Molecular consequence: missense variant.
Genome position (GRCh38, 1-based): chr16:89,553,072, C>T. VCF-style: chr16-89553072-C-T. GRCh37 (hg19) VCF-style: chr16-89619480-C-T.
Other names: c.1873C>T, p.Arg625Trp (NM_001363850.1); short protein forms R625W.
Identifiers: ClinVar variation 2157662 (VCV002157662.4), dbSNP rs762517145, ClinGen allele CA8244438.
Genomic context (GRCh38, chr16:89,553,072, plus strand): 5'-GGCTTTGCTCAGATGCTCCCCAGAGACCAGCACCTCTTCACCAAGGAGCAGCTGTTTGAG[C>T]GGATGTGCATGGCCCTGGGAGGACGGGCCTCGGAAGCACTGTCCTTCAACGAGGTCACTT-3'
Protein context (NP_003110.1, residues 615-635): HLFTKEQLFE[Arg625Trp]MCMALGGRAS

ClinVar aggregate classification (germline): Uncertain significance (1 of 4 stars; one submission).

Conditions:
Hereditary spastic paraplegia 7 (SPG7). Also called: Spastic paraplegia 7; Hereditary spastic paraplegia Paraplegin type; SPG7-related neurologic disorder; SPASTIC PARAPLEGIA 7, AUTOSOMAL RECESSIVE, WITH OR WITHOUT CEREBELLAR ATAXIA; Autosomal recessive spastic paraplegia type 7. Identifiers: Orphanet 99013, MedGen C1846564, MONDO:0011803, OMIM 607259.

Allele frequency attached by ClinVar (database versions not stated): gnomAD exomes 0.00001; ExAC 0.00002.
gnomAD v4.1: 8 of 1,613,738 alleles (0.0005%); highest among the groups gnomAD compares: East Asian, 0.0022%; no homozygotes.

Submission:

Labcorp Genetics (formerly Invitae), Labcorp
Classification: Uncertain significance for Hereditary spastic paraplegia 7. Last evaluated: 2023-07-28. Review status: criteria provided, single submitter. Criteria: Invitae Variant Classification Sherloc (09022015). Collection method: clinical testing. Allele origin: germline.
Comment: This variant has not been reported in the literature in individuals affected with SPG7-related conditions. In summary, the available evidence is currently insufficient to determine the role of this variant in disease. Therefore, it has been classified as a Variant of Uncertain Significance. Advanced modeling of protein sequence and biophysical properties (such as structural, functional, and spatial information, amino acid conservation, physicochemical variation, residue mobility, and thermodynamic stability) performed at Invitae indicates that this missense variant is expected to disrupt SPG7 protein function. ClinVar contains an entry for this variant (Variation ID: 2157662). This variant is present in population databases (rs762517145, gnomAD 0.006%). This sequence change replaces arginine, which is basic and polar, with tryptophan, which is neutral and slightly polar, at codon 625 of the SPG7 protein (p.Arg625Trp).